The following is an entry in ClinVar:

NM_024665.7(TBL1XR1):c.665T>A (p.Val222Asp)

Gene: TBL1XR1 (TBL1X/Y related 1; minus strand). Cytogenetic location: 3q26.32.
Variant type: single nucleotide variant.
Coding change: c.665T>A on transcript NM_024665.7 (MANE Select); coding-DNA position 665, T replaced by A.
Protein change: p.Val222Asp; replaces valine 222 with aspartic acid.
Molecular consequence: missense variant.
Genome position (GRCh38, 1-based): chr3:177,050,034, A>T on the plus strand (T>A on the coding strand, the complement: TBL1XR1 is on the minus strand). VCF-style: chr3-177050034-A-T. GRCh37 (hg19) VCF-style: chr3-176767822-A-T.
Other names: c.665T>A (NM_024665.6); c.665T>A, p.Val222Asp (NM_001321193.3, NM_001321194.3, NM_001374327.1 and 2 more transcripts); c.404T>A, p.Val135Asp (NM_001321195.3, NM_001374330.1); short protein forms V135D, V222D.
Identifiers: ClinVar variation 2501310 (VCV002501310.5), dbSNP rs2473720066, ClinGen allele CA355552462.
Genomic context (GRCh38, chr3:177,050,034, plus strand): 5'-ATCATGGATATAGTGATACTCACATTCCAATCTAGAGATGTGACATCCTTGTTGCTTGGA[A>T]CATCTTGCCCTCCTTCTCGTATACAATGTCTAAGTACTAACTGTGTAGAGCCACTGGTGC-3'
Protein context (NP_078941.2, residues 212-232): RHCIREGGQD[Val222Asp]PSNKDVTSLD

ClinVar aggregate classification (germline): Conflicting classifications of pathogenicity. Review status: criteria provided, conflicting classifications (1 of 4 stars). 3 submissions from 3 submitters: Likely pathogenic (2); Uncertain significance (1). Last evaluated 2023-05-02.

Conditions:
TBL1XR1-related disorder. Also called: TBL1XR1-related condition; TBL1XR1-related disorders. Identifiers: MedGen CN382633, MONDO:1060313.
Pierpont syndrome (PRPTS). Identifiers: Orphanet 487825, MedGen C1865644, MONDO:0011213, OMIM 602342.

Submissions (3):

Greenwood Genetic Center Diagnostic Laboratories, Greenwood Genetic Center
Classification: Likely pathogenic for TBL1XR1-related disorder. Last evaluated: 2023-05-02. Review status: criteria provided, single submitter. Criteria: ACMG Guidelines, 2015. Collection method: clinical testing. Allele origin: germline. Affected: yes.
Comment: PS2 PM2 PP2

GeneDx
Classification: Likely pathogenic. Last evaluated: 2023-04-30. Review status: criteria provided, single submitter. Criteria: GeneDx Variant Classification Process June 2021. Collection method: clinical testing. Allele origin: germline. Affected: yes.
Comment: Not observed at significant frequency in large population cohorts (gnomAD); In silico analysis supports that this missense variant does not alter protein structure/function; Has not been previously published as pathogenic or benign to our knowledge

Labcorp Genetics (formerly Invitae), Labcorp
Classification: Uncertain significance for Pierpont syndrome. Last evaluated: 2022-11-19. Review status: criteria provided, single submitter. Criteria: Invitae Variant Classification Sherloc (09022015). Collection method: clinical testing. Allele origin: germline.
Comment: In summary, the available evidence is currently insufficient to determine the role of this variant in disease. Therefore, it has been classified as a Variant of Uncertain Significance. Advanced modeling of protein sequence and biophysical properties (such as structural, functional, and spatial information, amino acid conservation, physicochemical variation, residue mobility, and thermodynamic stability) performed at Invitae indicates that this missense variant is not expected to disrupt TBL1XR1 protein function. This variant has not been reported in the literature in individuals affected with TBL1XR1-related conditions. This variant is not present in population databases (gnomAD no frequency). This sequence change replaces valine, which is neutral and non-polar, with aspartic acid, which is acidic and polar, at codon 222 of the TBL1XR1 protein (p.Val222Asp).